The following is an entry in ClinVar:

NM_000277.3(PAH):c.74T>C (p.Ile25Thr)

Gene: PAH (phenylalanine hydroxylase; minus strand). Cytogenetic location: 12q23.2.
Variant type: single nucleotide variant.
Coding change: c.74T>C on transcript NM_000277.3 (MANE Select); coding-DNA position 74, T replaced by C.
Protein change: p.Ile25Thr; replaces isoleucine 25 with threonine.
Molecular consequence: missense variant.
Genome position (GRCh38, 1-based): chr12:102,912,885, A>G on the plus strand (T>C on the coding strand, the complement: PAH is on the minus strand). VCF-style: chr12-102912885-A-G. GRCh37 (hg19) VCF-style: chr12-103306663-A-G.
Other names: c.74T>C, p.Ile25Thr (NM_001354304.2); short protein forms I25T.
Identifiers: ClinVar variation 1489178 (VCV001489178.7), dbSNP rs1355039694, ClinGen allele CA386302749.

ClinVar aggregate classification (germline): Uncertain significance (1 of 4 stars; one submission).

Conditions:
Phenylketonuria (PKU). Also called: OLIGOPHRENIA PHENYLPYRUVICA; Phenylketonurias; Phenylketonuria (PKU); FOLLING DISEASE. Identifiers: Orphanet 716, MedGen C0031485, MONDO:0009861, OMIM 261600. Disease mechanism: loss of function.

Allele frequency attached by ClinVar (database versions not stated): gnomAD 0.00002 and 0.00003; TOPMed 0.00002; gnomAD exomes 0.00001 and 0.00002.
gnomAD v4.1: 28 of 1,610,482 alleles (0.0017%); highest among the groups gnomAD compares: Admixed American, 0.03%; no homozygotes.

Submission:

Labcorp Genetics (formerly Invitae), Labcorp
Classification: Uncertain significance for Phenylketonuria. Last evaluated: 2024-10-24. Review status: criteria provided, single submitter. Criteria: Invitae Variant Classification Sherloc (09022015). Collection method: clinical testing. Allele origin: germline.
Comment: This sequence change replaces isoleucine, which is neutral and non-polar, with threonine, which is neutral and polar, at codon 25 of the PAH protein (p.Ile25Thr). This variant is present in population databases (no rsID available, gnomAD 0.003%). This variant has not been reported in the literature in individuals affected with PAH-related conditions. ClinVar contains an entry for this variant (Variation ID: 1489178). Invitae Evidence Modeling of protein sequence and biophysical properties (such as structural, functional, and spatial information, amino acid conservation, physicochemical variation, residue mobility, and thermodynamic stability) indicates that this missense variant is not expected to disrupt PAH protein function with a negative predictive value of 80%. In summary, the available evidence is currently insufficient to determine the role of this variant in disease. Therefore, it has been classified as a Variant of Uncertain Significance.